The following is an entry in ClinVar:

NM_001009944.3(PKD1):c.10399_10405+18del

Gene: PKD1 (polycystin 1, transient receptor potential channel interacting; minus strand). Cytogenetic location: 16p13.3.
Variant type: Deletion.
Coding change: c.10399_10405+18del on transcript NM_001009944.3 (MANE Select); coding-DNA position 10399 through 18 bases into the intron after coding-DNA position 10405, 25 bases deleted (GCATCAGGTGAGCTGGGGTGAGAGG).
Molecular consequence: splice donor variant.
Genome position (GRCh38, 1-based): chr16:2,097,301-2,097,325, CCTCTCACCCCAGCTCACCTGATGC deleted on the plus strand (GCATCAGGTGAGCTGGGGTGAGAGG on the coding strand, the reverse complement: PKD1 is on the minus strand). VCF-style (leftmost placement, unchanged base first): chr16-2097300-TCCTCTCACCCCAGCTCACCTGATGC-T. GRCh37 (hg19) VCF-style: chr16-2147301-TCCTCTCACCCCAGCTCACCTGATGC-T.
Other names: c.10396_10402+18del (NM_000296.4).
Identifiers: ClinVar variation 4082483 (VCV004082483.2).

ClinVar aggregate classification (germline): Pathogenic (1 of 4 stars; one submission).

Submission:

Genetic Services Laboratory, University of Chicago
Classification: Pathogenic. Last evaluated: 2023-05-18. Review status: criteria provided, single submitter. Criteria: ACMG Guidelines, 2015. Collection method: clinical testing. Allele origin: germline. Affected: yes.
Comment: DNA sequence analysis of the PKD1 gene demonstrated a 25 base pair deletion spanning the exon 33 intron 33 boundary, c.10399_10405+18del. This deletion is expected to affect normal splicing of the PKD1 gene and result in an amino acid frameshift that creates a premature stop codon four amino acids downstream of the change, p.Ala3467Metfs*4. This pathogenic sequence change is predicted to result in an abnormal transcript, which may be degraded, or may lead to the production of a truncated PKD1 protein with potentially abnormal function. This sequence change has not been described in population databases such as ExAC and gnomAD and has not been described in individuals with PKD1-related disorders. Collectively, this evidence indicates this sequence change is pathogenic, however functional studies have not been performed to prove this conclusively.